The following is an entry in ClinVar:

ClinVar aggregate classification (germline): Uncertain significance (1 of 4 stars; one submission).

Conditions:
Hereditary spastic paraplegia 64. Also called: Spastic paraplegia 64, autosomal recessive; ENTPD1-Related Neurodevelopmental Disorder. Identifiers: Orphanet 401810, MedGen C3810289, MONDO:0014303, OMIM 615683.

Allele frequency attached by ClinVar (database versions not stated): gnomAD exomes 0.00001; TOPMed 0.00002.
gnomAD v4.1: 5 of 1,614,242 alleles (0.00031%); highest among the groups gnomAD compares: Admixed American, 0.0083%; no homozygotes.

Submission:

Labcorp Genetics (formerly Invitae), Labcorp
Classification: Uncertain significance for Hereditary spastic paraplegia 64. Last evaluated: 2024-12-09. Review status: criteria provided, single submitter. Criteria: Invitae Variant Classification Sherloc (09022015). Collection method: clinical testing. Allele origin: germline.
Comment: This sequence change replaces isoleucine, which is neutral and non-polar, with valine, which is neutral and non-polar, at codon 270 of the ENTPD1 protein (p.Ile270Val). This variant is present in population databases (no rsID available, gnomAD 0.01%). This variant has not been reported in the literature in individuals affected with ENTPD1-related conditions. ClinVar contains an entry for this variant (Variation ID: 2194650). Invitae Evidence Modeling of protein sequence and biophysical properties (such as structural, functional, and spatial information, amino acid conservation, physicochemical variation, residue mobility, and thermodynamic stability) indicates that this missense variant is not expected to disrupt ENTPD1 protein function with a negative predictive value of 80%. In summary, the available evidence is currently insufficient to determine the role of this variant in disease. Therefore, it has been classified as a Variant of Uncertain Significance.

NM_001776.6(ENTPD1):c.808A>G (p.Ile270Val)

Genes: ENTPD1 (ectonucleoside triphosphate diphosphohydrolase 1; plus strand), ENTPD1-AS1 (ENTPD1 antisense RNA 1; minus strand). Cytogenetic location: 10q24.1.
Variant type: single nucleotide variant.
Coding change: c.808A>G on transcript NM_001776.6 (MANE Select); coding-DNA position 808, A replaced by G.
Protein change: p.Ile270Val; replaces isoleucine 270 with valine.
Molecular consequence: missense variant.
Genome position (GRCh38, 1-based): chr10:95,845,591, A>G. VCF-style: chr10-95845591-A-G. GRCh37 (hg19) VCF-style: chr10-97605348-A-G.
Other names: c.829A>G, p.Ile277Val (NM_001098175.2); c.844A>G, p.Ile282Val (NM_001164178.1, NM_001320916.1); c.808A>G, p.Ile270Val (NM_001164179.2); c.484A>G, p.Ile162Val (NM_001164181.1, NM_001312654.1); c.394A>G, p.Ile132Val (NM_001164182.2, NM_001164183.2); short protein forms I162V, I282V, I270V, I132V, I277V.
Identifiers: ClinVar variation 2194650 (VCV002194650.4), dbSNP rs1377450745, ClinGen allele CA377823460.
Genomic context (GRCh38, chr10:95,845,591, plus strand): 5'-ACACATAGCTTCTTGTGCTATGGGAAGGATCAGGCACTCTGGCAGAAACTGGCCAAGGAC[A>G]TTCAGGCAAGTATAACTCAATCCAGACCTGCCCCCTTCACATCTGCACCTCCAGCCCCCA-3'
Protein context (NP_001767.3, residues 260-280): QALWQKLAKD[Ile270Val]QVASNEILRD